The following is an entry in ClinVar:

NM_006231.4(POLE):c.330+3G>T

Gene: POLE (DNA polymerase epsilon, catalytic subunit; minus strand). Cytogenetic location: 12q24.33.
Variant type: single nucleotide variant.
Coding change: c.330+3G>T on transcript NM_006231.4 (MANE Select); 3 bases into the intron after coding-DNA position 330, G replaced by T.
Molecular consequence: intron variant.
Genome position (GRCh38, 1-based): chr12:132,680,175, C>A on the plus strand (G>T on the coding strand, the complement: POLE is on the minus strand). VCF-style: chr12-132680175-C-A. GRCh37 (hg19) VCF-style: chr12-133256761-C-A.
Identifiers: ClinVar variation 823511 (VCV000823511.12), dbSNP rs369152225, ClinGen allele CA608262945.
Genomic context (GRCh38, chr12:132,680,175, plus strand): 5'-TTGCAAAGCCCACCACAGAATGACACACAGGTCGTCTGACCTGAGTCTATGAAACACACT[C>A]ACCTTTCTGGTCGCAATGTAGAAATACGGTTTATAGGGCAAAGCCACCTGTTAAGAGTCA-3'

ClinVar aggregate classification (germline): Uncertain significance. Review status: criteria provided, multiple submitters, no conflicts (2 of 4 stars). 2 submissions from 2 submitters: Uncertain significance (2). Last evaluated 2024-10-30.

Conditions:
Hereditary cancer-predisposing syndrome. Also called: Tumor predisposition; Hereditary Cancer Syndrome; Neoplastic Syndromes, Hereditary; Hereditary neoplastic syndrome. Identifiers: Orphanet 140162, MedGen C0027672, MeSH D009386, MONDO:0015356.

gnomAD v4.1: 2 of 1,614,062 alleles (0.00012%); highest among the groups gnomAD compares: Admixed American, 0.0033%; no homozygotes.

Submissions (2):

Labcorp Genetics (formerly Invitae), Labcorp
Classification: Uncertain significance. Last evaluated: 2024-10-30. Review status: criteria provided, single submitter. Criteria: Invitae Variant Classification Sherloc (09022015). Collection method: clinical testing. Allele origin: germline.
Comment: This sequence change falls in intron 4 of the POLE gene. It does not directly change the encoded amino acid sequence of the POLE protein. It affects a nucleotide within the consensus splice site. This variant is present in population databases (no rsID available, gnomAD 0.003%). This variant has not been reported in the literature in individuals affected with POLE-related conditions. ClinVar contains an entry for this variant (Variation ID: 823511). Variants that disrupt the consensus splice site are a relatively common cause of aberrant splicing (PMID: 17576681, 9536098). Algorithms developed to predict the effect of sequence changes on RNA splicing suggest that this variant may disrupt the consensus splice site. In summary, the available evidence is currently insufficient to determine the role of this variant in disease. Therefore, it has been classified as a Variant of Uncertain Significance.

Ambry Genetics
Classification: Uncertain significance for Hereditary cancer-predisposing syndrome. Last evaluated: 2019-03-31. Review status: criteria provided, single submitter. Criteria: Ambry Variant Classification Scheme 2023. Collection method: clinical testing. Allele origin: germline.
Comment: The c.330+3G>T intronic variant results from a G to T substitution 3 nucleotides after coding exon 4 in the POLE gene. This nucleotide position is poorly conserved in available vertebrate species. Using two different splice site prediction tools, this alteration is predicted by ESEfinder to weaken the efficiency of the native splice donor site, but is not predicted to have a deleterious effect on this splice donor site by BDGP; however, direct evidence is unavailable. Since supporting evidence is limited at this time, the clinical significance of this alteration remains unclear.

Literature cited by the submitters: PubMed 17576681 (cited by Labcorp Genetics (formerly Invitae), Labcorp); PubMed 9536098 (cited by Labcorp Genetics (formerly Invitae), Labcorp).